The following is an entry in ClinVar:

ClinVar aggregate classification (germline): Likely pathogenic (1 of 4 stars; one submission).

Submission:

GeneDx
Classification: Likely pathogenic. Last evaluated: 2016-09-13. Review status: criteria provided, single submitter. Criteria: GeneDx Variant Classification (06012015). Collection method: clinical testing. Allele origin: germline. Affected: yes.
Comment: The A155D variant in the CLN8 gene has not been reported previously as a pathogenic variant, nor as a benign variant, to our knowledge. The A155D variant was not observed in approximately 6500 individuals of European and African American ancestry in the NHLBI Exome Sequencing Project, indicating it is not a common benign variant in these populations. The A155D variant is a non-conservative amino acid substitution, which is likely to impact secondary protein structure as these residues differ in polarity, charge, size and/or other properties. This substitution occurs at a position that is conserved in mammals. In silico analysis is inconsistent in its predictions as to whether or not the variant is damaging to the protein structure/function. Missense variants in nearby residues (H157R and Y158C) have been reported in the Human Gene Mutation Database in association with neuronal ceroid lipofuscinosis (Stenson et al., 2014), supporting the functional importance of this region of the protein. The A155D variant is a strong candidate for a pathogenic variant, however the possibility it may be a rare benign variant cannot be excluded.

NM_018941.4(CLN8):c.464C>A (p.Ala155Asp)

Gene: CLN8 (CLN8 transmembrane ER and ERGIC protein; plus strand). Cytogenetic location: 8p23.3.
Variant type: single nucleotide variant.
Coding change: c.464C>A on transcript NM_018941.4 (MANE Select); coding-DNA position 464, C replaced by A.
Protein change: p.Ala155Asp; replaces alanine 155 with aspartic acid.
Molecular consequence: missense variant.
Genome position (GRCh38, 1-based): chr8:1,771,518, C>A. VCF-style: chr8-1771518-C-A. GRCh37 (hg19) VCF-style: chr8-1719684-C-A.
Other names: short protein forms A155D.
Identifiers: ClinVar variation 422177 (VCV000422177.2), dbSNP rs386834128, ClinGen allele CA16618619.